The following is an entry in ClinVar:

ClinVar aggregate classification (germline): Conflicting classifications of pathogenicity. Review status: criteria provided, conflicting classifications (1 of 4 stars). 3 submissions from 3 submitters: Uncertain significance (2); Likely benign (1). Last evaluated 2025-07-14.

Conditions:
Hereditary cancer-predisposing syndrome. Also called: Neoplastic Syndromes, Hereditary; Tumor predisposition; Hereditary Cancer Syndrome; Hereditary neoplastic syndrome. Identifiers: Orphanet 140162, MedGen C0027672, MeSH D009386, MONDO:0015356.
Familial cancer of breast. Also called: BREAST CANCER, FAMILIAL; Hereditary breast cancer; hereditary breast carcinoma. Identifiers: Orphanet 227535, MedGen C0346153, MONDO:0016419, OMIM 114480. Disease mechanism: loss of function.

Submissions (3):

Labcorp Genetics (formerly Invitae), Labcorp
Classification: Uncertain significance for Familial cancer of breast. Last evaluated: 2025-07-14. Review status: criteria provided, single submitter. Criteria: Invitae Variant Classification Sherloc (09022015). Collection method: clinical testing. Allele origin: germline.
Comment: This sequence change replaces glycine, which is neutral and non-polar, with alanine, which is neutral and non-polar, at codon 82 of the BARD1 protein (p.Gly82Ala). This variant is not present in population databases (gnomAD no frequency). This variant has not been reported in the literature in individuals affected with BARD1-related conditions. ClinVar contains an entry for this variant (Variation ID: 821315). An algorithm developed to predict the effect of missense changes on protein structure and function outputs the following: PolyPhen-2: "Benign". The alanine amino acid residue is found in multiple mammalian species, which suggests that this missense change does not adversely affect protein function. In summary, the available evidence is currently insufficient to determine the role of this variant in disease. Therefore, it has been classified as a Variant of Uncertain Significance.

Color Diagnostics, LLC DBA Color Health
Classification: Uncertain significance for Hereditary cancer-predisposing syndrome. Last evaluated: 2024-03-06. Review status: criteria provided, single submitter. Criteria: ACMG Guidelines, 2015. Collection method: clinical testing. Allele origin: germline.
Comment: This missense variant replaces glycine with alanine at codon 82 of the BARD1 protein. Computational prediction tool suggests that this variant may not impact protein structure and function (internally defined REVEL score threshold <=0.5, PMID: 27666373). Splice site prediction tools suggest that this variant may not impact RNA splicing. To our knowledge, functional studies have not been performed for this variant. This variant has not been reported in individuals affected with hereditary cancer in the literature. This variant has not been identified in the general population by the Genome Aggregation Database (gnomAD). The available evidence is insufficient to determine the role of this variant in disease conclusively. Therefore, this variant is classified as a Variant of Uncertain Significance.

Ambry Genetics
Classification: Likely benign for Hereditary cancer-predisposing syndrome. Last evaluated: 2024-02-26. Review status: criteria provided, single submitter. Criteria: Ambry Variant Classification Scheme 2023. Collection method: clinical testing. Allele origin: germline.

NM_000465.4(BARD1):c.245G>C (p.Gly82Ala)

Gene: BARD1 (BRCA1 associated RING domain 1; minus strand). Cytogenetic location: 2q35.
Variant type: single nucleotide variant.
Coding change: c.245G>C on transcript NM_000465.4 (MANE Select); coding-DNA position 245, G replaced by C.
Protein change: p.Gly82Ala; replaces glycine 82 with alanine.
Molecular consequence: missense variant. On other transcripts: non-coding transcript variant (1), intron variant (2).
Genome position (GRCh38, 1-based): chr2:214,792,416, C>G on the plus strand (G>C on the coding strand, the complement: BARD1 is on the minus strand). VCF-style: chr2-214792416-C-G. GRCh37 (hg19) VCF-style: chr2-215657140-C-G.
Other names: c.188G>C, p.Gly63Ala (NM_001282543.2); c.245G>C, p.Gly82Ala (NM_001282549.2); c.158+16996G>C (NM_001282548.2); c.215+4645G>C (NM_001282545.2); short protein forms G63A, G82A.
Identifiers: ClinVar variation 821315 (VCV000821315.11), dbSNP rs886055600, ClinGen allele CA350461237.